The following is an entry in ClinVar:

NM_004082.5(DCTN1):c.2357A>T (p.Asp786Val)

Gene: DCTN1 (dynactin subunit 1; minus strand). Cytogenetic location: 2p13.1.
Variant type: single nucleotide variant.
Coding change: c.2357A>T on transcript NM_004082.5 (MANE Select); coding-DNA position 2357, A replaced by T.
Protein change: p.Asp786Val; replaces aspartic acid 786 with valine.
Molecular consequence: missense variant. On other transcripts: non-coding transcript variant (1).
Genome position (GRCh38, 1-based): chr2:74,366,892, T>A on the plus strand (A>T on the coding strand, the complement: DCTN1 is on the minus strand). VCF-style: chr2-74366892-T-A. GRCh37 (hg19) VCF-style: chr2-74594019-T-A.
Other names: c.2297A>T, p.Asp766Val (NM_001135040.3); c.1955A>T, p.Asp652Val (NM_001135041.3, NM_023019.4); c.2246A>T, p.Asp749Val (NM_001190836.2); c.2336A>T, p.Asp779Val (NM_001190837.2); c.2306A>T, p.Asp769Val (NM_001378991.1); c.2288A>T, p.Asp763Val (NM_001378992.1); short protein forms D652V, D749V, D763V, D766V, D769V, D779V, D786V.
Identifiers: ClinVar variation 2498825 (VCV002498825.26), dbSNP rs752889408, ClinGen allele CA347347727.

ClinVar aggregate classification (germline): Uncertain significance (1 of 4 stars; one submission).

gnomAD v4.1: 6 of 1,614,228 alleles (0.00037%); highest among the groups gnomAD compares: Non-Finnish European, 0.00042%; no homozygotes.

Submission:

CeGaT Center for Human Genetics Tuebingen
Classification: Uncertain significance. Last evaluated: 2023-02-01. Review status: criteria provided, single submitter. Criteria: CeGaT Center For Human Genetics Tuebingen Variant Classification Criteria Version 2. Collection method: clinical testing. Allele origin: germline. Affected: yes. Observed: 1 variant allele.
Comment: DCTN1: PM2